The following is an entry in ClinVar:

NM_000170.3(GLDC):c.1666-39A>G

Gene: GLDC (glycine decarboxylase; minus strand). Cytogenetic location: 9p24.1.
Variant type: single nucleotide variant.
Coding change: c.1666-39A>G on transcript NM_000170.3 (MANE Select); 39 bases into the intron before coding-DNA position 1666, A replaced by G.
Molecular consequence: intron variant.
Genome position (GRCh38, 1-based): chr9:6,588,481, T>C on the plus strand (A>G on the coding strand, the complement: GLDC is on the minus strand). VCF-style: chr9-6588481-T-C. GRCh37 (hg19) VCF-style: chr9-6588481-T-C.
Identifiers: ClinVar variation 4857218 (VCV004857218.2).

ClinVar aggregate classification (germline): Uncertain significance. Review status: criteria provided, single submitter (1 of 4 stars). 2 submissions from 1 submitter: Uncertain significance (2). Last evaluated 2024-01-01.

Conditions:
Glycine encephalopathy. Also called: Non-ketotic hyperglycinemia; Nonketotic hyperglycinemia. Identifiers: Orphanet 407, MedGen C0751748, MONDO:0011612, HP:0008288.
Epileptic encephalopathy. Identifiers: MedGen C0543888, HP:0200134.

Submissions (2):

Unidad de Genómica Garrahan, Hospital de Pediatría Garrahan
Classification: Uncertain significance for Epileptic encephalopathy. Last evaluated: 2024-01-01. Review status: criteria provided, single submitter. Criteria: ACMG Guidelines, 2015. Collection method: clinical testing. Allele origin: maternal. Affected: yes. Observed: 1 variant allele.
Comment: ACMG/AMP criteria applied: PM2_supporting. Observed in compound heterozygosity with NM_000170.3:c.1058+144A>G. Deep intronic variant.

Unidad de Genómica Garrahan, Hospital de Pediatría Garrahan
Classification: Uncertain significance for Glycine encephalopathy. Last evaluated: 2024-01-01. Review status: criteria provided, single submitter. Criteria: ACMG Guidelines, 2015. Collection method: clinical testing. Allele origin: maternal. Affected: yes. Observed: 1 variant allele.
Comment: ACMG/AMP criteria applied: PM2_supporting. Deep intronic variant.